The following is an entry in ClinVar:

ClinVar aggregate classification (germline): Pathogenic (1 of 4 stars; one submission).

Conditions:
Pheochromocytoma/paraganglioma syndrome 5. Also called: Paragangliomas 5; SDHA-Related Hereditary Paraganglioma-Pheochromocytoma Syndrome. Identifiers: Orphanet 29072, MedGen C3279992, MONDO:0013602, OMIM 614165.

Submission:

Myriad Genetics, Inc.
Classification: Pathogenic for Pheochromocytoma/paraganglioma syndrome 5. Last evaluated: 2026-07-02. Review status: criteria provided, single submitter. Criteria: Myriad Autosomal Dominant, Autosomal Recessive and X-Linked Classification Criteria (2023). Collection method: clinical testing. Allele origin: unknown.
Comment: This variant is considered pathogenic. This variant creates a frameshift predicted to result in premature protein truncation.

NM_004168.4(SDHA):c.733_736dup (p.Arg246fs)

Gene: SDHA (succinate dehydrogenase complex flavoprotein subunit A; plus strand). Cytogenetic location: 5p15.33.
Variant type: Microsatellite.
Coding change: c.733_736dup on transcript NM_004168.4 (MANE Select); coding-DNA positions 733 to 736, 4 bases duplicated (CATC; older notation c.733_736dupCATC).
Protein change: p.Arg246fs; shifts the reading frame from arginine 246.
Molecular consequence: frameshift variant.
Genome position (GRCh38, 1-based): chr5:228,296-228,299, CATC duplicated; duplicating any 4 consecutive bases within chr5:228,290-228,299 gives the same sequence; the c. name uses the placement nearest the transcript's 3' end. VCF-style (leftmost placement, unchanged base first): chr5-228289-G-GTCCA. GRCh37 (hg19) VCF-style: chr5-228404-G-GTCCA.
Other names: c.589_592dup, p.Arg198fs (NM_001294332.2); c.733_736dup, p.Arg246fs (NM_001330758.2); short protein forms R198fs, R246fs.
Identifiers: ClinVar variation 5042471 (VCV005042471.1).